The following is an entry in ClinVar:

NM_002156.5(HSPD1):c.1712G>T (p.Gly571Val)

Gene: HSPD1 (heat shock protein family D (Hsp60) member 1; minus strand). Cytogenetic location: 2q33.1.
Variant type: single nucleotide variant.
Coding change: c.1712G>T on transcript NM_002156.5 (MANE Select); coding-DNA position 1712, G replaced by T.
Protein change: p.Gly571Val; replaces glycine 571 with valine.
Molecular consequence: missense variant.
Genome position (GRCh38, 1-based): chr2:197,487,056, C>A on the plus strand (G>T on the coding strand, the complement: HSPD1 is on the minus strand). VCF-style: chr2-197487056-C-A. GRCh37 (hg19) VCF-style: chr2-198351780-C-A.
Other names: c.1712G>T, p.Gly571Val (NM_199440.2); short protein forms G571V.
Identifiers: ClinVar variation 410975 (VCV000410975.13), dbSNP rs374322039, ClinGen allele CA2043303.
Genomic context (GRCh38, chr2:197,487,056, plus strand): 5'-TGGGCTTCCTGTCACAGTTCATTAATAAAGGTAAAGCACTAGTCTAGGAGTTAGAACATG[C>A]CACCTCCCATACCACCTCCCATTCCACCCATTGCACCCATTCCAGGGTCCTTCTCTTCTT-3'
Protein context (NP_002147.2, residues 561-573): MGGMGGGMGG[Gly571Val]MF

ClinVar aggregate classification (germline): Conflicting classifications of pathogenicity. Review status: criteria provided, conflicting classifications (1 of 4 stars). 2 submissions from 2 submitters: Uncertain significance (1); Likely benign (1). Last evaluated 2025-10-22.

Conditions:
Spastic paraplegia. Identifiers: MedGen C0037772, HP:0001258.
Leukodystrophy, hypomyelinating, 4. Also called: MITCHAP60 DISEASE; MITOCHONDRIAL HSP60 CHAPERONOPATHY. Identifiers: Orphanet 280270, Orphanet 280288, MedGen C2677109, MONDO:0012824, OMIM 612233.

Allele frequency attached by ClinVar (database versions not stated): gnomAD exomes 0.00003 and 0.00008; ExAC 0.00009; 1000 Genomes Project 30x 0.00016; 1000 Genomes Project 0.00020; gnomAD 0.00023; TOPMed 0.00029; ESP Exome Variant Server 0.00056.
gnomAD v4.1: 70 of 1,470,368 alleles (0.0048%); highest among the groups gnomAD compares: African/African-American, 0.093%; 1 homozygote.

Submissions (2):

Labcorp Genetics (formerly Invitae), Labcorp
Classification: Likely benign for Spastic paraplegia. Last evaluated: 2025-10-22. Review status: criteria provided, single submitter. Criteria: Invitae Variant Classification Sherloc (09022015). Collection method: clinical testing. Allele origin: germline.

Baylor Genetics
Classification: Uncertain significance for Leukodystrophy, hypomyelinating, 4. Last evaluated: 2019-11-20. Review status: criteria provided, single submitter. Criteria: ACMG Guidelines, 2015. Collection method: clinical testing. Allele origin: unknown. Affected: yes.
Comment: This variant was determined to be of uncertain significance according to ACMG Guidelines, 2015 [PMID:25741868].